The following is an entry in ClinVar:

ClinVar aggregate classification (germline): Uncertain significance. Review status: criteria provided, multiple submitters, no conflicts (2 of 4 stars). 3 submissions from 3 submitters: Uncertain significance (3). Last evaluated 2026-02-24.

Conditions:
Malignant hyperthermia, susceptibility to, 5 (MHS5). Also called: CACNA1S-Related Malignant Hyperthermia Susceptibility. Identifiers: Orphanet 423, MedGen C1866077, MONDO:0011163, OMIM 601887.
Inborn genetic diseases. Identifiers: MedGen C0950123, MeSH D030342.
Hypokalemic periodic paralysis, type 1. Also called: HypoPP; Hypokalemic Periodic Paralysis Type 1 (AD). Identifiers: Orphanet 681, MedGen C3714580, MONDO:0042979, OMIM 170400.

Allele frequency attached by ClinVar (database versions not stated): gnomAD 0.00001.
gnomAD v4.1: 13 of 1,613,414 alleles (0.00081%); highest among the groups gnomAD compares: African/African-American, 0.0013%; no homozygotes.

Submissions (3):

Ambry Genetics
Classification: Uncertain significance for Inborn genetic diseases. Last evaluated: 2026-02-24. Review status: criteria provided, single submitter. Criteria: Ambry Variant Classification Scheme 2023. Collection method: clinical testing. Allele origin: germline.

All of Us Research Program, National Institutes of Health
Classification: Uncertain significance for Malignant hyperthermia, susceptibility to, 5. Last evaluated: 2023-05-31. Review status: criteria provided, single submitter. Criteria: ACMG Guidelines, 2015. Collection method: clinical testing. Allele origin: germline. Inheritance: Autosomal dominant inheritance. Observed: 2 variant alleles, 2 heterozygotes.
Comment: This study involves interpretation of variants in research participants for the purpose of population health screening. Participant phenotype was not available at the time of variant classification. Additional details can be found in publication PMID: 35346344, PMCID: PMC8962531

Labcorp Genetics (formerly Invitae), Labcorp
Classification: Uncertain significance for Hypokalemic periodic paralysis, type 1; Malignant hyperthermia, susceptibility to, 5. Last evaluated: 2023-03-20. Review status: criteria provided, single submitter. Criteria: Invitae Variant Classification Sherloc (09022015). Collection method: clinical testing. Allele origin: germline.
Comment: In summary, the available evidence is currently insufficient to determine the role of this variant in disease. Therefore, it has been classified as a Variant of Uncertain Significance. Advanced modeling of protein sequence and biophysical properties (such as structural, functional, and spatial information, amino acid conservation, physicochemical variation, residue mobility, and thermodynamic stability) performed at Invitae indicates that this missense variant is not expected to disrupt CACNA1S protein function. This sequence change replaces arginine, which is basic and polar, with cysteine, which is neutral and slightly polar, at codon 1572 of the CACNA1S protein (p.Arg1572Cys). This variant is not present in population databases (gnomAD no frequency). This variant has not been reported in the literature in individuals affected with CACNA1S-related conditions.

NM_000069.3(CACNA1S):c.4714C>T (p.Arg1572Cys)

Gene: CACNA1S (calcium voltage-gated channel subunit alpha1 S; minus strand). Cytogenetic location: 1q32.1.
Variant type: single nucleotide variant.
Coding change: c.4714C>T on transcript NM_000069.3 (MANE Select); coding-DNA position 4714, C replaced by T.
Protein change: p.Arg1572Cys; replaces arginine 1572 with cysteine.
Molecular consequence: missense variant.
Genome position (GRCh38, 1-based): chr1:201,044,411, G>A on the plus strand (C>T on the coding strand, the complement: CACNA1S is on the minus strand). VCF-style: chr1-201044411-G-A. GRCh37 (hg19) VCF-style: chr1-201013539-G-A.
Other names: c.4714C>T (NM_000069.2); short protein forms R1572C.
Identifiers: ClinVar variation 2925065 (VCV002925065.6), dbSNP rs1301119456, ClinGen allele CA344139779.
Genomic context (GRCh38, chr1:201,044,411, plus strand): 5'-CAGCCTCCACCATGGCTCTCTCCAGCTCCTCCTCAGCAGCCAGGTCTCCTGAGACCGTGC[G>A]ACAGATCTCGGGGGCTGCCTCTTCCTCAATGGTCCGCAGCCCTGCCTGGGGATGACGAAG-3'
Protein context (NP_000060.2, residues 1562-1582): IEEEAAPEIC[Arg1572Cys]TVSGDLAAEE